The following is an entry in ClinVar:

NM_000081.4(LYST):c.5956C>T (p.Arg1986Ter)

Gene: LYST (lysosomal trafficking regulator; minus strand). Cytogenetic location: 1q42.3.
Variant type: single nucleotide variant.
Coding change: c.5956C>T on transcript NM_000081.4 (MANE Select); coding-DNA position 5956, C replaced by T.
Protein change: p.Arg1986Ter; replaces arginine 1986 with a stop codon.
Molecular consequence: nonsense.
Genome position (GRCh38, 1-based): chr1:235,766,244, G>A on the plus strand (C>T on the coding strand, the complement: LYST is on the minus strand). VCF-style: chr1-235766244-G-A. GRCh37 (hg19) VCF-style: chr1-235929544-G-A.
Other names: c.5956C>T, p.Arg1986Ter (NM_001301365.1); short protein forms R1986*.
Identifiers: ClinVar variation 525149 (VCV000525149.4), dbSNP rs1188244229, ClinGen allele CA344948061.
Genomic context (GRCh38, chr1:235,766,244, plus strand): 5'-AATCTGGAGGAGATCCAAGGACTTCTGCTATAATTTTCACAAATGATCTACAAACCTCTC[G>A]GGGCATGGGTGTGAGTTGCCCCTCTTTGTATTCCTGAAAAAATAAAAAAAACTCTCTTTA-3'

ClinVar aggregate classification (germline): Pathogenic/Likely pathogenic. Review status: criteria provided, multiple submitters, no conflicts (2 of 4 stars). 3 submissions from 3 submitters: Pathogenic (1); Likely pathogenic (2). Last evaluated 2025-07-02.

Conditions:
Chédiak-Higashi syndrome (CHS). Also called: Chediak-Higashi Syndrome. Identifiers: Orphanet 167, MedGen C0007965, MONDO:0008963, OMIM 214500.
LYST-related disorder. Also called: LYST-related condition.

Allele frequency attached by ClinVar (database versions not stated): TOPMed below 0.00001; gnomAD 0.00001.
gnomAD v4.1: 5 of 1,612,144 alleles (0.00031%); highest among the groups gnomAD compares: Non-Finnish European, 0.00034%; no homozygotes.

Submissions (3):

Labcorp Genetics (formerly Invitae), Labcorp
Classification: Pathogenic for Chédiak-Higashi syndrome. Last evaluated: 2025-07-02. Review status: criteria provided, single submitter. Criteria: Invitae Variant Classification Sherloc (09022015). Collection method: clinical testing. Allele origin: germline.
Comment: This sequence change creates a premature translational stop signal (p.Arg1986*) in the LYST gene. It is expected to result in an absent or disrupted protein product. Loss-of-function variants in LYST are known to be pathogenic (PMID: 9215679, 11857544). This variant is not present in population databases (gnomAD no frequency). This variant has not been reported in the literature in individuals affected with LYST-related conditions. ClinVar contains an entry for this variant (Variation ID: 525149). For these reasons, this variant has been classified as Pathogenic.

Baylor Genetics
Classification: Likely pathogenic for Chédiak-Higashi syndrome. Last evaluated: 2023-11-11. Review status: criteria provided, single submitter. Criteria: ACMG Guidelines, 2015. Collection method: clinical testing. Allele origin: unknown.

Blueprint Genetics
Classification: Likely pathogenic for LYST-related disorders. Last evaluated: 2018-07-23. Review status: criteria provided, single submitter. Criteria: ACMG Guidelines, 2015. Collection method: clinical testing. Allele origin: germline. Affected: yes. Observed: 1 variant allele.

Literature cited by the submitters: PubMed 9215679 (cited by Labcorp Genetics (formerly Invitae), Labcorp); PubMed 11857544 (cited by Labcorp Genetics (formerly Invitae), Labcorp).